The following is an entry in ClinVar:

ClinVar aggregate classification (germline): Uncertain significance. Review status: criteria provided, multiple submitters, no conflicts (2 of 4 stars). 2 submissions from 2 submitters: Uncertain significance (2). Last evaluated 2026-01-12.

Conditions:
Inborn genetic diseases. Identifiers: MedGen C0950123, MeSH D030342.

Submissions (2):

Labcorp Genetics (formerly Invitae), Labcorp
Classification: Uncertain significance. Last evaluated: 2026-01-12. Review status: criteria provided, single submitter. Criteria: Invitae Variant Classification Sherloc (09022015). Collection method: clinical testing. Allele origin: germline.
Comment: This sequence change replaces histidine, which is basic and polar, with tyrosine, which is neutral and polar, at codon 211 of the MBD4 protein (p.His211Tyr). This variant is present in population databases (no rsID available, gnomAD 0.006%). This variant has not been reported in the literature in individuals affected with MBD4-related conditions. ClinVar contains an entry for this variant (Variation ID: 3870861). An algorithm developed to predict the effect of missense changes on protein structure and function (PolyPhen-2) suggests that this variant is likely to be tolerated. In summary, the available evidence is currently insufficient to determine the role of this variant in disease. Therefore, it has been classified as a Variant of Uncertain Significance.

Ambry Genetics
Classification: Uncertain significance for Inborn genetic diseases. Last evaluated: 2024-12-16. Review status: criteria provided, single submitter. Criteria: Ambry Variant Classification Scheme 2023. Collection method: clinical testing. Allele origin: germline.
Comment: The p.H211Y variant (also known as c.631C>T), located in coding exon 3 of the MBD4 gene, results from a C to T substitution at nucleotide position 631. The histidine at codon 211 is replaced by tyrosine, an amino acid with similar properties. This amino acid position is conserved. In addition, this alteration is predicted to be tolerated by in silico analysis. Based on the available evidence, the clinical significance of this variant remains unclear.

NM_001276270.2(MBD4):c.631C>T (p.His211Tyr)

Gene: MBD4 (methyl-CpG binding domain 4, DNA glycosylase; minus strand). Cytogenetic location: 3q21.3.
Variant type: single nucleotide variant.
Coding change: c.631C>T on transcript NM_001276270.2 (MANE Select); coding-DNA position 631, C replaced by T.
Protein change: p.His211Tyr; replaces histidine 211 with tyrosine.
Molecular consequence: missense variant. On other transcripts: intron variant (1).
Genome position (GRCh38, 1-based): chr3:129,437,013, G>A on the plus strand (C>T on the coding strand, the complement: MBD4 is on the minus strand). VCF-style: chr3-129437013-G-A. GRCh37 (hg19) VCF-style: chr3-129155856-G-A.
Other names: c.631C>T, p.His211Tyr (NM_001276271.2, NM_001276272.2, NM_003925.3); c.247+795C>T (NM_001276273.2); short protein forms H211Y.
Identifiers: ClinVar variation 3870861 (VCV003870861.2).